The following is an entry in ClinVar:

ClinVar aggregate classification (germline): Uncertain significance. Review status: criteria provided, multiple submitters, no conflicts (2 of 4 stars). 4 submissions from 4 submitters: Uncertain significance (4). Last evaluated 2025-05-25.

Conditions:
Charcot-Marie-Tooth disease type 4A. Also called: Charcot-Marie-Tooth disease, demyelinating, autosomal recessive, type 4a. Identifiers: Orphanet 99948, MedGen C1859198, MONDO:0008961, OMIM 214400.
GDAP1-related disorder. Also called: GDAP1-related condition; GDAP1-related disorders.

Allele frequency attached by ClinVar (database versions not stated): gnomAD exomes below 0.00001; ExAC 0.00001; gnomAD 0.00001; TOPMed 0.00001.

Submissions (4):

Labcorp Genetics (formerly Invitae), Labcorp
Classification: Uncertain significance for Charcot-Marie-Tooth disease type 4A. Last evaluated: 2025-05-25. Review status: criteria provided, single submitter. Criteria: Invitae Variant Classification Sherloc (09022015). Collection method: clinical testing. Allele origin: germline.
Comment: This sequence change replaces arginine, which is basic and polar, with leucine, which is neutral and non-polar, at codon 70 of the GDAP1 protein (p.Arg70Leu). This variant is present in population databases (rs775739690, gnomAD 0.004%). This variant has not been reported in the literature in individuals affected with GDAP1-related conditions. ClinVar contains an entry for this variant (Variation ID: 1011867). Invitae Evidence Modeling of protein sequence and biophysical properties (such as structural, functional, and spatial information, amino acid conservation, physicochemical variation, residue mobility, and thermodynamic stability) indicates that this missense variant is expected to disrupt GDAP1 protein function with a positive predictive value of 80%. In summary, the available evidence is currently insufficient to determine the role of this variant in disease. Therefore, it has been classified as a Variant of Uncertain Significance.

PreventionGenetics, part of Exact Sciences
Classification: Uncertain significance for GDAP1-related condition. Last evaluated: 2025-04-18. Review status: criteria provided, single submitter. Criteria: ACMG Guidelines, 2015. Collection method: clinical testing. Allele origin: germline.
Comment: The GDAP1 c.209G>T variant is predicted to result in the amino acid substitution p.Arg70Leu. To our knowledge, this variant has not been reported in the literature. This variant is reported in 0.0040% of alleles in individuals of African descent in gnomAD. At this time, the clinical significance of this variant is uncertain due to the absence of conclusive functional and genetic evidence.

GeneDx
Classification: Uncertain significance. Last evaluated: 2023-03-19. Review status: criteria provided, single submitter. Criteria: GeneDx Variant Classification Process June 2021. Collection method: clinical testing. Allele origin: germline. Affected: yes.
Comment: In silico analysis supports that this missense variant has a deleterious effect on protein structure/function; Has not been previously published as pathogenic or benign to our knowledge; This variant is associated with the following publications: (PMID: 23628762, 20685671, 20849849)

Mayo Clinic Laboratories, Mayo Clinic
Classification: Uncertain significance. Last evaluated: 2022-05-31. Review status: criteria provided, single submitter. Criteria: ACMG Guidelines, 2015. Collection method: clinical testing. Allele origin: germline. Observed: 1 variant allele.

NM_018972.4(GDAP1):c.209G>T (p.Arg70Leu)

Gene: GDAP1 (ganglioside induced differentiation associated protein 1; plus strand). Cytogenetic location: 8q21.11.
Variant type: single nucleotide variant.
Coding change: c.209G>T on transcript NM_018972.4 (MANE Select); coding-DNA position 209, G replaced by T.
Protein change: p.Arg70Leu; replaces arginine 70 with leucine.
Molecular consequence: missense variant. On other transcripts: intron variant (2).
Genome position (GRCh38, 1-based): chr8:74,351,365, G>T. VCF-style: chr8-74351365-G-T. GRCh37 (hg19) VCF-style: chr8-75263600-G-T.
Other names: p.Arg70Leu; c.209G>T (NM_018972.2); c.5G>T, p.Arg2Leu (NM_001040875.4); c.209G>T, p.Arg70Leu (NM_001362930.2, NM_001362931.2); c.-18+44G>T (NM_001362929.2); c.-18+787G>T (NM_001362932.2); short protein forms R2L, R70L.
Identifiers: ClinVar variation 1011867 (VCV001011867.11), dbSNP rs775739690, ClinGen allele CA4785056.